The following is an entry in ClinVar:

NM_001267550.2(TTN):c.10770G>C (p.Glu3590Asp)

Gene: TTN (titin; minus strand). Cytogenetic location: 2q31.2.
Variant type: single nucleotide variant.
Coding change: c.10770G>C on transcript NM_001267550.2 (MANE Select); coding-DNA position 10770, G replaced by C.
Protein change: p.Glu3590Asp; replaces glutamic acid 3590 with aspartic acid.
Molecular consequence: missense variant. On other transcripts: intron variant (5).
Genome position (GRCh38, 1-based): chr2:178,756,706, C>G on the plus strand (G>C on the coding strand, the complement: TTN is on the minus strand). VCF-style: chr2-178756706-C-G. GRCh37 (hg19) VCF-style: chr2-179621433-C-G.
Other names: p.E3419D:GAG>GAC; c.10257G>C, p.Glu3419Asp (NM_133437.4); c.10165+2278G>C (NM_003319.4); c.10540+836G>C (NM_133432.3); c.10303+2278G>C (NM_133378.4, NM_001256850.1, NM_133379.5); short protein forms E3590D, E3419D.
Identifiers: ClinVar variation 192062 (VCV000192062.64), dbSNP rs377401997, ClinGen allele CA302528.

ClinVar aggregate classification (germline): Conflicting classifications of pathogenicity. Review status: criteria provided, conflicting classifications (1 of 4 stars). 10 submissions from 10 submitters: Uncertain significance (7); Likely benign (2). 1 of the submissions does not count toward it. Last evaluated 2026-09-04.

Conditions:
TTN-related myopathy. Identifiers: MedGen CN294812, MONDO:0100175.
TTN-related disorder. Also called: TTN-related condition; TTN-related disease; TTN-related disorders.
Dilated cardiomyopathy 1G (CMD1G). Identifiers: Orphanet 154, MedGen C1858763, MONDO:0011400, OMIM 604145.
Autosomal recessive limb-girdle muscular dystrophy type 2J (LGMDR10). Also called: Limb-girdle muscular dystrophy, type 2J; MUSCULAR DYSTROPHY, LIMB-GIRDLE, AUTOSOMAL RECESSIVE 10. Identifiers: Orphanet 140922, MedGen C1837342, MONDO:0012127, OMIM 608807.
Myopathy, myofibrillar, 9, with early respiratory failure (MFM9). Also called: EDSTROM MYOPATHY; MYOPATHY, PROXIMAL, WITH EARLY RESPIRATORY MUSCLE INVOLVEMENT; Hereditary myopathy with early respiratory failure; Myopathy, distal, with early respiratory failure, autosomal dominant. Identifiers: Orphanet 178464, Orphanet 34521, MedGen C1863599, MONDO:0011362, OMIM 603689.
Tibial muscular dystrophy (TMD). Also called: Udd Distal Myopathy – Tibial Muscular Dystrophy; Tibial muscular dystrophy, tardive; UDD MYOPATHY. Identifiers: Orphanet 609, MedGen C1838244, MONDO:0010870, OMIM 600334.
Early-onset myopathy with fatal cardiomyopathy (CMYO5). Also called: CONGENITAL MYOPATHY 5 WITH CARDIOMYOPATHY; Salih Myopathy. Identifiers: Orphanet 289377, MedGen C2673677, MONDO:0012714, OMIM 611705. Disease mechanism: loss of function.
Hypertrophic cardiomyopathy 9. Also called: Familial hypertrophic cardiomyopathy 9. Identifiers: MedGen C1861065, MONDO:0013412, OMIM 613765.

Allele frequency attached by ClinVar (database versions not stated): TOPMed 0.00002; ESP Exome Variant Server 0.00008; 1000 Genomes Project 30x 0.00016; 1000 Genomes Project 0.00020.
gnomAD v4.1: 149 of 1,613,756 alleles (0.0092%); highest among the groups gnomAD compares: Middle Eastern, 0.083%; no homozygotes.

Submissions (10):

PreventionGenetics, part of Exact Sciences
Classification: Uncertain significance for TTN-related condition. Last evaluated: 2026-09-04. Review status: criteria provided, single submitter. Criteria: ACMG Guidelines, 2015. Collection method: clinical testing. Allele origin: germline.
Comment: The TTN c.10770G>C variant is predicted to result in the amino acid substitution p.Glu3590Asp. To our knowledge, this variant has not been reported in the literature. This variant is reported in 0.077% of alleles in individuals of Ashkenazi Jewish descent in gnomAD. Although we suspect that this variant may be benign, at this time, the clinical significance of this variant is uncertain due to the absence of conclusive functional and genetic evidence.

Women's Health and Genetics/Laboratory Corporation of America, LabCorp
Classification: Likely benign. Last evaluated: 2026-02-24. Review status: criteria provided, single submitter. Criteria: LabCorp Variant Classification Summary - May 2015. Collection method: clinical testing. Allele origin: germline.
Comment: Variant summary: TTN c.10303+2278G>C is located at a position not widely known to affect splicing. This variant corresponds to c.10770G>C (p.Glu3590Asp) in NM_001267550. Consensus agreement among computation tools predict no significant impact on normal splicing. However, these predictions have yet to be confirmed by functional studies. The variant allele was found at a frequency of 9.2e-05 in 1613756 control chromosomes, predominantly at a frequency of 0.00053 within the South Asian subpopulation in the gnomAD database. The observed variant frequency within South Asian control individuals in the gnomAD database exceeds the estimated maximal expected allele frequency for disease-causing variants in TTN. To our knowledge, no occurrence of c.10303+2278G>C in individuals affected with TTN-related conditions and no experimental evidence demonstrating its impact on protein function have been reported. ClinVar contains an entry for this variant (Variation ID: 192062). Based on the evidence outlined above, the variant was classified as likely benign.

CeGaT Center for Human Genetics Tuebingen
Classification: Likely benign. Last evaluated: 2025-06-01. Review status: criteria provided, single submitter. Criteria: CeGaT Center For Human Genetics Tuebingen Variant Classification Criteria Version 2. Collection method: clinical testing. Allele origin: germline. Affected: yes. Observed: 4 variant alleles.
Comment: TTN: BP4

Blueprint Genetics
Classification: Uncertain significance. Last evaluated: 2024-04-11. Review status: criteria provided, single submitter. Criteria: ACMG Guidelines, 2015. Collection method: clinical testing. Allele origin: germline.

Fulgent Genetics
Classification: Uncertain significance for Tibial muscular dystrophy; Myopathy, myofibrillar, 9, with early respiratory failure; Dilated cardiomyopathy 1G; Autosomal recessive limb-girdle muscular dystrophy type 2J; Early-onset myopathy with fatal cardiomyopathy; Hypertrophic cardiomyopathy 9. Last evaluated: 2021-12-29. Review status: criteria provided, single submitter. Criteria: ACMG Guidelines, 2015. Collection method: clinical testing. Allele origin: unknown.

Illumina Laboratory Services, Illumina
Classification: Uncertain significance for TTN-related myopathy. Last evaluated: 2021-03-22. Review status: criteria provided, single submitter. Criteria: ICSLVariantClassificationCriteria RUGD 01 April 2020. Collection method: clinical testing. Allele origin: unknown.
Comment: The TTN c.10770G>C (p.Glu3590Asp) variant is a missense variant. A literature search was performed for the gene, cDNA change, and amino acid change. No publications describing the p.Glu3590Asp variant in association with TTN-related myopathy were found based on this search. The p.Glu3590Asp variant is reported at a frequency of 0.0007746 in the Ashkenazi Jewish population of the Genome Aggregation Database. In silico prediction of pathogenicity for this variant suggest that it is tolerated/benign. However, currently available in silico prediction tools may have limited utility in the assessment of missense variants in the TTN gene (Rees et al. 2021). Based on the limited evidence and application of the ACMG criteria, the p.Glu3590Asp variant is classified as a variant of uncertain significance for TTN-related myopathy.

Labcorp Genetics (formerly Invitae), Labcorp
Classification: Uncertain significance for Dilated cardiomyopathy 1G; Autosomal recessive limb-girdle muscular dystrophy type 2J. Last evaluated: 2017-11-21. Review status: criteria provided, single submitter. Criteria: Invitae Variant Classification Sherloc (09022015). Collection method: clinical testing. Allele origin: germline.

Biesecker Lab/Clinical Genomics Section, National Institutes of Health
Classification: Uncertain significance. Last evaluated: 2013-06-24. Review status: criteria provided, single submitter. Criteria: Ng et al. (Circ Cardiovasc Genet. 2013). Collection method: research. Allele origin: unknown. Observed: 1 variant allele. Study: ClinSeq.
Comment: The study set was not selected for affection status in relation to any cancer. Pathogenicity categories were based on literature curation. See Pubmed ID:23861362 for details.

Medical sequencing

Arcensus
Classification: Uncertain significance for Autosomal recessive limb-girdle muscular dystrophy type 2J. Last evaluated: 2013-02-01. Review status: criteria provided, single submitter. Criteria: ACMG Guidelines, 2015. Collection method: clinical testing. Allele origin: germline. Affected: yes.

GeneDx
No classification provided. Last evaluated: 2014-02-27. Review status: no classification provided. Criteria: GeneDx Variant Classification (06012015). Collection method: clinical testing. Allele origin: germline. Affected: yes. Not counted in ClinVar's aggregate classification.
Comment: Missense variants in the TTN gene are considered 'unclassified' if they are not previously reported in the literature and do not have >1% frequency in the population to be considered a polymorphism. Research indicates that truncating mutations in the TTN gene are expected to account for approximately 25% of familial and 18% of sporadic idiopathic DCM; however, truncating variants in the TTN gene have been reported in approximately 3% of reported control alleles. There has been little investigation into non-truncating variants. (Herman D et al. Truncations of titin causing dilated cardiomyopathy. N Eng J Med 366:619-628, 2012) The variant is found in DCM-CRDM panel(s).

Literature cited by the submitters: PubMed 33449170 (cited by Illumina Laboratory Services, Illumina).